The following is an entry in ClinVar:

NM_080680.3(COL11A2):c.3031C>A (p.Pro1011Thr)

Gene: COL11A2 (collagen type XI alpha 2 chain; minus strand). Cytogenetic location: 6p21.32.
Variant type: single nucleotide variant.
Coding change: c.3031C>A on transcript NM_080680.3 (MANE Select); coding-DNA position 3031, C replaced by A.
Protein change: p.Pro1011Thr; replaces proline 1011 with threonine.
Molecular consequence: missense variant.
Genome position (GRCh38, 1-based): chr6:33,172,061, G>T on the plus strand (C>A on the coding strand, the complement: COL11A2 is on the minus strand). VCF-style: chr6-33172061-G-T. GRCh37 (hg19) VCF-style: chr6-33139838-G-T.
Other names: c.2710C>A, p.Pro904Thr (NM_080679.3); c.2773C>A, p.Pro925Thr (NM_080681.3); short protein forms P1011T, P925T, P904T.
Identifiers: ClinVar variation 1393041 (VCV001393041.6), dbSNP rs997533180, ClinGen allele CA363636631.

ClinVar aggregate classification (germline): Uncertain significance. Review status: criteria provided, multiple submitters, no conflicts (2 of 4 stars). 2 submissions from 2 submitters: Uncertain significance (2). Last evaluated 2022-05-22.

Conditions:
Autosomal dominant nonsyndromic hearing loss 13. Identifiers: Orphanet 90635, MedGen C1866095, MONDO:0011159, OMIM 601868.

Submissions (2):

3billion
Classification: Uncertain significance for Autosomal dominant nonsyndromic hearing loss 13. Last evaluated: 2022-05-22. Review status: criteria provided, single submitter. Criteria: ACMG Guidelines, 2015. Collection method: clinical testing. Allele origin: germline. Affected: yes. Observed: 1 heterozygote.
Comment: The variant is not observed in the gnomAD v2.1.1 dataset. In silico tool predictions suggest damaging effect of the variant on gene or gene product (REVEL: 0.80; 3Cnet: 0.66). Therefore, this variant is classified as uncertain significanceaccording to the recommendation of ACMG/AMP guideline.

Labcorp Genetics (formerly Invitae), Labcorp
Classification: Uncertain significance. Last evaluated: 2022-03-10. Review status: criteria provided, single submitter. Criteria: Invitae Variant Classification Sherloc (09022015). Collection method: clinical testing. Allele origin: germline.
Comment: This sequence change replaces proline, which is neutral and non-polar, with threonine, which is neutral and polar, at codon 1011 of the COL11A2 protein (p.Pro1011Thr). This variant is not present in population databases (gnomAD no frequency). This variant has not been reported in the literature in individuals affected with COL11A2-related conditions. Advanced modeling of protein sequence and biophysical properties (such as structural, functional, and spatial information, amino acid conservation, physicochemical variation, residue mobility, and thermodynamic stability) performed at Invitae indicates that this missense variant is not expected to disrupt COL11A2 protein function. In summary, the available evidence is currently insufficient to determine the role of this variant in disease. Therefore, it has been classified as a Variant of Uncertain Significance.